The following is an entry in ClinVar:

ClinVar aggregate classification (germline): Uncertain significance. Review status: criteria provided, multiple submitters, no conflicts (2 of 4 stars). 2 submissions from 2 submitters: Uncertain significance (2). Last evaluated 2024-02-24.

Conditions:
Inborn genetic diseases. Identifiers: MedGen C0950123, MeSH D030342.

Allele frequency attached by ClinVar (database versions not stated): gnomAD exomes below 0.00001.
gnomAD v4.1: 4 of 1,609,414 alleles (0.00025%); highest among the groups gnomAD compares: Non-Finnish European, 0.00034%; no homozygotes.

Submissions (2):

Labcorp Genetics (formerly Invitae), Labcorp
Classification: Uncertain significance. Last evaluated: 2024-02-24. Review status: criteria provided, single submitter. Criteria: Invitae Variant Classification Sherloc (09022015). Collection method: clinical testing. Allele origin: germline.
Comment: This sequence change replaces threonine, which is neutral and polar, with methionine, which is neutral and non-polar, at codon 1107 of the JAK1 protein (p.Thr1107Met). This variant is not present in population databases (gnomAD no frequency). This variant has not been reported in the literature in individuals affected with JAK1-related conditions. ClinVar contains an entry for this variant (Variation ID: 1517280). Advanced modeling of protein sequence and biophysical properties (such as structural, functional, and spatial information, amino acid conservation, physicochemical variation, residue mobility, and thermodynamic stability) performed at Invitae indicates that this missense variant is not expected to disrupt JAK1 protein function with a negative predictive value of 80%. In summary, the available evidence is currently insufficient to determine the role of this variant in disease. Therefore, it has been classified as a Variant of Uncertain Significance.

Ambry Genetics
Classification: Uncertain significance for Inborn genetic diseases. Last evaluated: 2022-02-09. Review status: criteria provided, single submitter. Criteria: Ambry Variant Classification Scheme 2023. Collection method: clinical testing. Allele origin: germline.

NM_002227.4(JAK1):c.3320C>T (p.Thr1107Met)

Gene: JAK1 (Janus kinase 1; minus strand). Cytogenetic location: 1p31.3.
Variant type: single nucleotide variant.
Coding change: c.3320C>T on transcript NM_002227.4 (MANE Select); coding-DNA position 3320, C replaced by T.
Protein change: p.Thr1107Met; replaces threonine 1107 with methionine.
Molecular consequence: missense variant.
Genome position (GRCh38, 1-based): chr1:64,835,445, G>A on the plus strand (C>T on the coding strand, the complement: JAK1 is on the minus strand). VCF-style: chr1-64835445-G-A. GRCh37 (hg19) VCF-style: chr1-65301128-G-A.
Other names: c.3320C>T (NM_002227.2); c.3320C>T, p.Thr1107Met (NM_001321855.2, NM_001321856.2, NM_001320923.2 and 3 more transcripts); c.3317C>T, p.Thr1106Met (NM_001321857.2); short protein forms T1106M, T1107M.
Identifiers: ClinVar variation 1517280 (VCV001517280.7), dbSNP rs1198988820, ClinGen allele CA340660203.